The following is an entry in ClinVar:

NM_001036.6(RYR3):c.5861-3C>T

Gene: RYR3 (ryanodine receptor 3; plus strand). Cytogenetic location: 15q14.
Variant type: single nucleotide variant.
Coding change: c.5861-3C>T on transcript NM_001036.6 (MANE Select); 3 bases into the intron before coding-DNA position 5861, C replaced by T.
Molecular consequence: intron variant.
Genome position (GRCh38, 1-based): chr15:33,696,215, C>T. VCF-style: chr15-33696215-C-T. GRCh37 (hg19) VCF-style: chr15-33988416-C-T.
Other names: c.5861-3C>T (NM_001243996.4).
Identifiers: ClinVar variation 863748 (VCV000863748.9), dbSNP rs749850251, ClinGen allele CA7459391.

ClinVar aggregate classification (germline): Uncertain significance (1 of 4 stars; one submission).

Conditions:
Epileptic encephalopathy. Identifiers: MedGen C0543888, HP:0200134.

Allele frequency attached by ClinVar (database versions not stated): gnomAD exomes 0.00001 and 0.00003; gnomAD 0.00002 and 0.00004; TOPMed 0.00002; ExAC 0.00004.
gnomAD v4.1: 25 of 1,611,758 alleles (0.0016%); highest among the groups gnomAD compares: Middle Eastern, 0.016%; no homozygotes.

Submission:

Labcorp Genetics (formerly Invitae), Labcorp
Classification: Uncertain significance for Epileptic encephalopathy. Last evaluated: 2021-03-30. Review status: criteria provided, single submitter. Criteria: Invitae Variant Classification Sherloc (09022015). Collection method: clinical testing. Allele origin: germline.
Comment: In summary, the available evidence is currently insufficient to determine the role of this variant in disease. Therefore, it has been classified as a Variant of Uncertain Significance. Nucleotide substitutions within the consensus splice site are a relatively common cause of aberrant splicing (PMID: 17576681, 9536098). Algorithms developed to predict the effect of sequence changes on RNA splicing suggest that this variant is not likely to affect RNA splicing, but this prediction has not been confirmed by published transcriptional studies. This variant has not been reported in the literature in individuals with RYR3-related conditions. This variant is present in population databases (rs749850251, ExAC 0.01%). This sequence change falls in intron 38 of the RYR3 gene. It does not directly change the encoded amino acid sequence of the RYR3 protein, but it affects a nucleotide within the consensus splice site of the intron.

Literature cited by the submitters: PubMed 17576681; PubMed 9536098.